The following is an entry in ClinVar:

NM_001371928.1(AHDC1):c.841C>G (p.Arg281Gly)

Gene: AHDC1 (AT-hook DNA binding motif containing 1; minus strand). Cytogenetic location: 1p36.11.
Variant type: single nucleotide variant.
Coding change: c.841C>G on transcript NM_001371928.1 (MANE Select); coding-DNA position 841, C replaced by G.
Protein change: p.Arg281Gly; replaces arginine 281 with glycine.
Molecular consequence: missense variant.
Genome position (GRCh38, 1-based): chr1:27,551,275, G>C on the plus strand (C>G on the coding strand, the complement: AHDC1 is on the minus strand). VCF-style: chr1-27551275-G-C. GRCh37 (hg19) VCF-style: chr1-27877786-G-C.
Other names: c.841C>G, p.Arg281Gly (NM_001029882.3); short protein forms R281G.
Identifiers: ClinVar variation 2638574 (VCV002638574.24), dbSNP rs1283205130, ClinGen allele CA339235978.

ClinVar aggregate classification (germline): Uncertain significance (1 of 4 stars; one submission).

Submission:

CeGaT Center for Human Genetics Tuebingen
Classification: Uncertain significance. Last evaluated: 2023-02-01. Review status: criteria provided, single submitter. Criteria: CeGaT Center For Human Genetics Tuebingen Variant Classification Criteria Version 2. Collection method: clinical testing. Allele origin: germline. Affected: yes. Observed: 1 variant allele.
Comment: AHDC1: PM2